The following is an entry in ClinVar:

ClinVar aggregate classification (germline): Likely pathogenic (1 of 4 stars; one submission).

Conditions:
Bifunctional peroxisomal enzyme deficiency (DBIF). Also called: DBP DEFICIENCY; PBFE DEFICIENCY; D-bifunctional protein deficiency. Identifiers: Orphanet 300, MedGen C0342870, MONDO:0009855, OMIM 261515. Disease mechanism: loss of function.

Submission:

Natera, Inc.
Classification: Likely pathogenic for Bifunctional peroxisomal enzyme deficiency. Last evaluated: 2024-09-27. Review status: criteria provided, single submitter. Criteria: Natera Variant Classification Schema (03/2026). Collection method: clinical testing. Allele origin: germline.
Comment: The c.1595del variant in HSD17B4 is a frameshift variant predicted to shift the reading frame beginning at codon 532 and leads to a stop codon 100 codons downstream. This variant is expected to result in nonsense mediated decay, truncation, or a dysfunctional protein product. This variant is rare in the general population with a frequency below the threshold expected for the associated phenotype(s). Given the available evidence, this variant is classified as Likely Pathogenic.

NM_000414.4(HSD17B4):c.1595del (p.His532fs)

Gene: HSD17B4 (hydroxysteroid 17-beta dehydrogenase 4; plus strand). Cytogenetic location: 5q23.1.
Variant type: Deletion.
Coding change: c.1595del on transcript NM_000414.4 (MANE Select); coding-DNA position 1595, one base deleted (A; older notation c.1595delA).
Protein change: p.His532fs; shifts the reading frame from histidine 532.
Molecular consequence: frameshift variant. On other transcripts: non-coding transcript variant (2).
Genome position (GRCh38, 1-based): chr5:119,525,938, A deleted. VCF-style (leftmost placement, unchanged base first): chr5-119525937-CA-C. GRCh37 (hg19) VCF-style: chr5-118861632-CA-C.
Other names: c.1670del, p.His557fs (NM_001199291.3); c.1541del, p.His514fs (NM_001199292.2); c.1523del, p.His508fs (NM_001292027.2, NM_001374498.1); c.1175del, p.His392fs (NM_001292028.2); c.1586del, p.His529fs (NM_001374497.1); c.1268del, p.His423fs (NM_001374499.1); c.1154del, p.His385fs (NM_001374500.1); c.1184del, p.His395fs (NM_001374501.1, NM_001374502.1, NM_001374503.1); short protein forms H385fs, H392fs, H395fs, H423fs, H508fs, H514fs, H529fs, H532fs.
Identifiers: ClinVar variation 4818344 (VCV004818344.1).